The following is an entry in ClinVar:

ClinVar aggregate classification (germline): Uncertain significance (1 of 4 stars; one submission).

Conditions:
Nephronophthisis. Also called: Juvenile Nephronophthisis. Identifiers: Orphanet 655, MedGen C0687120, MONDO:0019005, HP:0000090.

Allele frequency attached by ClinVar (database versions not stated): TOPMed below 0.00001.

Submission:

Labcorp Genetics (formerly Invitae), Labcorp
Classification: Uncertain significance for Nephronophthisis. Last evaluated: 2019-10-15. Review status: criteria provided, single submitter. Criteria: Invitae Variant Classification Sherloc (09022015). Collection method: clinical testing. Allele origin: germline.
Comment: In summary, the available evidence is currently insufficient to determine the role of this variant in disease. Therefore, it has been classified as a Variant of Uncertain Significance. Algorithms developed to predict the effect of missense changes on protein structure and function (SIFT, PolyPhen-2, Align-GVGD) all suggest that this variant is likely to be tolerated, but these predictions have not been confirmed by published functional studies and their clinical significance is uncertain. This variant has not been reported in the literature in individuals with IQCB1-related conditions. This variant is not present in population databases (ExAC no frequency). This sequence change replaces glutamine with leucine at codon 412 of the IQCB1 protein (p.Gln412Leu). The glutamine residue is weakly conserved and there is a moderate physicochemical difference between glutamine and leucine.

NM_001023570.4(IQCB1):c.1235A>T (p.Gln412Leu)

Gene: IQCB1 (IQ motif containing B1; minus strand). Cytogenetic location: 3q13.33.
Variant type: single nucleotide variant.
Coding change: c.1235A>T on transcript NM_001023570.4 (MANE Select); coding-DNA position 1235, A replaced by T.
Protein change: p.Gln412Leu; replaces glutamine 412 with leucine.
Molecular consequence: missense variant. On other transcripts: non-coding transcript variant (1).
Genome position (GRCh38, 1-based): chr3:121,788,327, T>A on the plus strand (A>T on the coding strand, the complement: IQCB1 is on the minus strand). VCF-style: chr3-121788327-T-A. GRCh37 (hg19) VCF-style: chr3-121507174-T-A.
Other names: c.836A>T, p.Gln279Leu (NM_001023571.4); c.1235A>T, p.Gln412Leu (NM_001319107.2); short protein forms Q279L, Q412L.
Identifiers: ClinVar variation 957956 (VCV000957956.9), dbSNP rs199533438, ClinGen allele CA354115508.